The following is an entry in ClinVar:

NM_006208.3(ENPP1):c.*1043A>G

Gene: ENPP1 (ectonucleotide pyrophosphatase/phosphodiesterase 1; plus strand). Cytogenetic location: 6q23.2.
Variant type: single nucleotide variant.
Coding change: c.*1043A>G on transcript NM_006208.3 (MANE Select); 1043 bases downstream of the stop codon, A replaced by G.
Molecular consequence: 3 prime UTR variant.
Genome position (GRCh38, 1-based): chr6:131,891,554, A>G. VCF-style: chr6-131891554-A-G. GRCh37 (hg19) VCF-style: chr6-132212694-A-G.
Identifiers: ClinVar variation 13590 (VCV000013590.5), dbSNP rs7754561, ClinGen allele CA210804.

ClinVar aggregate classification (germline): Benign. Review status: criteria provided, single submitter (1 of 4 stars). 3 submissions from 2 submitters: Benign (2). 1 of the submissions does not count toward it. Last evaluated 2017-04-27.

Conditions:
Arterial calcification, generalized, of infancy, 1 (GACI1). Also called: Idiopathic Infantile Arterial Calcification. Identifiers: Orphanet 51608, MedGen C4551985, MONDO:0008817, OMIM 208000.
Hypophosphatemic rickets, autosomal recessive, 2 (ARHR2). Identifiers: Orphanet 289176, MedGen C2750078, MONDO:0013219, OMIM 613312.
Obesity. Also called: Obesity disorder. Identifiers: Orphanet 71529, MedGen C0028754, MeSH D009765, MONDO:0011122, HP:0001513.

Allele frequency attached by ClinVar (database versions not stated): gnomAD 0.44199 and 0.44163; TOPMed 0.48202; 1000 Genomes Project 30x 0.56715; 1000 Genomes Project 0.55471.

Submissions (3):

Illumina Laboratory Services, Illumina
Classification: Benign for Hypophosphatemic rickets, autosomal recessive, 2. Last evaluated: 2017-04-27. Review status: criteria provided, single submitter. Criteria: ICSL Variant Classification Criteria 13 December 2019. Collection method: clinical testing. Allele origin: germline.
Comment: This variant was observed as part of a predisposition screen in an ostensibly healthy population. A literature search was performed for the gene, cDNA change, and amino acid change (where applicable). No publications were found based on this search. Allele frequency data from public databases was too high to be consistent with this variant causing disease. Therefore, this variant is classified as benign.

Illumina Laboratory Services, Illumina
Classification: Benign for Arterial calcification, generalized, of infancy, 1. Last evaluated: 2017-04-27. Review status: criteria provided, single submitter. Criteria: ICSL Variant Classification Criteria 13 December 2019. Collection method: clinical testing. Allele origin: germline.
Comment: the same text as in the submission from Illumina Laboratory Services, Illumina above.

OMIM
Classification: risk factor for OBESITY, SUSCEPTIBILITY TO. Last evaluated: 2005-02-01. Review status: no assertion criteria provided. Collection method: literature only. Allele origin: germline. Not counted in ClinVar's aggregate classification.

Literature cited by the submitters: PubMed 14988267 (cited by OMIM); PubMed 15677494 (cited by OMIM).